The following is an entry in ClinVar:

NM_016107.5(ZFR):c.2780G>A (p.Arg927His)

Gene: ZFR (zinc finger RNA binding protein; minus strand). Cytogenetic location: 5p13.3.
Variant type: single nucleotide variant.
Coding change: c.2780G>A on transcript NM_016107.5 (MANE Select); coding-DNA position 2780, G replaced by A.
Protein change: p.Arg927His; replaces arginine 927 with histidine.
Molecular consequence: missense variant. On other transcripts: non-coding transcript variant (1).
Genome position (GRCh38, 1-based): chr5:32,379,170, C>T on the plus strand (G>A on the coding strand, the complement: ZFR is on the minus strand). VCF-style: chr5-32379170-C-T. GRCh37 (hg19) VCF-style: chr5-32379276-C-T.
Other names: short protein forms R927H.
Identifiers: ClinVar variation 3668377 (VCV003668377.2).

ClinVar aggregate classification (germline): Uncertain significance (1 of 4 stars; one submission).

Conditions:
Pure or complex autosomal recessive spastic paraplegia. Identifiers: Orphanet 320346, MedGen C5679887, MONDO:0017915.

Submission:

Labcorp Genetics (formerly Invitae), Labcorp
Classification: Uncertain significance for Pure or complex autosomal recessive spastic paraplegia. Last evaluated: 2025-04-13. Review status: criteria provided, single submitter. Criteria: Invitae Variant Classification Sherloc (09022015). Collection method: clinical testing. Allele origin: germline.
Comment: This sequence change replaces arginine, which is basic and polar, with histidine, which is basic and polar, at codon 927 of the ZFR protein (p.Arg927His). This variant is not present in population databases (gnomAD no frequency). This variant has not been reported in the literature in individuals affected with ZFR-related conditions. ClinVar contains an entry for this variant (Variation ID: 3668377). Experimental studies and prediction algorithms are not available or were not evaluated, and the functional significance of this variant is currently unknown. In summary, the available evidence is currently insufficient to determine the role of this variant in disease. Therefore, it has been classified as a Variant of Uncertain Significance.